The following is an entry in ClinVar:

NC_012920.1(MT-TG):m.10029A>G

Gene: MT-TG (mitochondrially encoded tRNA glycine; plus strand).
Variant type: single nucleotide variant.
Genome position: chrM-10029-A-G.
Identifiers: ClinVar variation 690102 (VCV000690102.1), dbSNP rs1603222639, ClinGen allele CA913161600.
Genomic context (GRCh38, chrMT:10,029, plus strand): 5'-TCCATCTATTGATGAGGGTCTTACTCTTTTAGTATAAATAGTACCGTTAACTTCCAATTA[A>G]CTAGTTTTGACAACATTCAAAAAAGAGTAATAAACTTCGCCTTAATTTTAATAATCAACA-3'

ClinVar aggregate classification (germline): Benign (1 of 4 stars; one submission).

Conditions:
MELAS syndrome (MELAS). Also called: Juvenile myopathy, encephalopathy, lactic acidosis, stroke. Identifiers: Orphanet 550, MedGen C0162671, MONDO:0010789, OMIM 540000.

Submission:

Wong Mito Lab, Molecular and Human Genetics, Baylor College of Medicine
Classification: Benign for MELAS syndrome. Last evaluated: 2019-07-12. Review status: criteria provided, single submitter. Criteria: Modified ACMG Guidelines (Unpublished). Collection method: clinical testing. Allele origin: germline.
Comment: The NC_012920.1:m.10029A>G variant in MT-TG gene is interpreted to be a Benign variant based on the modified ACMG guidelines (unpublished). This variant meets the following evidence codes reported in the guidelines: BS1, BS2, BP4

Literature cited by the submitters: PubMed 31965079.